The following is an entry in ClinVar:

NM_001134673.4(NFIA):c.79_80delinsTT (p.Ala27Phe)

Gene: NFIA (nuclear factor I A; plus strand). Cytogenetic location: 1p31.3.
Variant type: Indel.
Coding change: c.79_80delinsTT on transcript NM_001134673.4 (MANE Select); coding-DNA positions 79 to 80, GC replaced by TT.
Protein change: p.Ala27Phe; replaces alanine 27 with phenylalanine.
Molecular consequence: missense variant.
Genome position (GRCh38, 1-based): chr1:61,088,200-61,088,201, GC replaced by TT. VCF-style: chr1-61088200-GC-TT. GRCh37 (hg19) VCF-style: chr1-61553872-GC-TT.
Other names: c.55_56delinsTT, p.Ala19Phe (NM_001145511.2); c.214_215delinsTT, p.Ala72Phe (NM_001145512.2); c.79_80delinsTT, p.Ala27Phe (NM_005595.5); short protein forms A19F, A27F, A72F.
Identifiers: ClinVar variation 1998609 (VCV001998609.4), dbSNP rs2524199225, ClinGen allele CA2580063080.

ClinVar aggregate classification (germline): Uncertain significance (1 of 4 stars; one submission).

Submission:

Labcorp Genetics (formerly Invitae), Labcorp
Classification: Uncertain significance. Last evaluated: 2022-05-25. Review status: criteria provided, single submitter. Criteria: Invitae Variant Classification Sherloc (09022015). Collection method: clinical testing. Allele origin: germline.
Comment: In summary, the available evidence is currently insufficient to determine the role of this variant in disease. Therefore, it has been classified as a Variant of Uncertain Significance. Algorithms developed to predict the effect of missense changes on protein structure and function are either unavailable or do not agree on the potential impact of this missense change (SIFT: "Not Available"; PolyPhen-2: "Probably Damaging"; Align-GVGD: "Not Available"). This variant has not been reported in the literature in individuals affected with NFIA-related conditions. Information on the frequency of this variant in the gnomAD database is not available, as this variant may be reported differently in the database. This sequence change replaces alanine, which is neutral and non-polar, with phenylalanine, which is neutral and non-polar, at codon 27 of the NFIA protein (p.Ala27Phe).